The following is an entry in ClinVar:

ClinVar aggregate classification (germline): Benign/Likely benign. Review status: criteria provided, multiple submitters, no conflicts (2 of 4 stars). 13 submissions from 9 submitters: Benign (11); Likely benign (1). 1 of the submissions does not count toward it. Last evaluated 2026-02-04.

Conditions:
Sphingolipid activator protein 1 deficiency. Also called: METACHROMATIC LEUKODYSTROPHY DUE TO CEREBROSIDE SULFATASE ACTIVATOR DEFICIENCY; Metachromatic leukodystrophy due to saposin B deficiency; Saposin B Deficiency. Identifiers: Orphanet 512, MedGen C0268262, MONDO:0009590, OMIM 249900.
Gaucher disease due to saposin C deficiency. Also called: Saposin C Deficiency; Atypical Gaucher disease due to saposin C deficiency. Identifiers: Orphanet 309252, Orphanet 355, MedGen C1864651, MONDO:0012517, OMIM 610539.
Combined PSAP deficiency (PSAPD). Also called: COMBINED SAP DEFICIENCY; PROSAPOSIN DEFICIENCY; Encephalopathy due to prosaposin deficiency. Identifiers: Orphanet 139406, MedGen C2673635, MONDO:0012719, OMIM 611721.
Krabbe disease due to saposin A deficiency. Also called: KRABBE DISEASE, ATYPICAL, DUE TO SAPOSIN A DEFICIENCY; Saposin A Deficiency. Identifiers: Orphanet 487, MedGen C2673266, MONDO:0012720, OMIM 611722.

Allele frequency attached by ClinVar (database versions not stated): gnomAD exomes 0.30361 and 0.34106; ESP Exome Variant Server 0.33100; ExAC 0.34108; gnomAD 0.34512 and 0.34527; TOPMed 0.35610; 1000 Genomes Project 0.40994; 1000 Genomes Project 30x 0.41068.

Submissions (13):

Labcorp Genetics (formerly Invitae), Labcorp
Classification: Benign for Sphingolipid activator protein 1 deficiency. Last evaluated: 2026-02-04. Review status: criteria provided, single submitter. Criteria: Invitae Variant Classification Sherloc (09022015). Collection method: clinical testing. Allele origin: germline.

Blueprint Genetics
Classification: Benign. Last evaluated: 2024-11-27. Review status: criteria provided, single submitter. Criteria: ACMG Guidelines, 2015. Collection method: clinical testing. Allele origin: germline.

Genome-Nilou Lab
Classification: Benign for Combined PSAP deficiency. Last evaluated: 2021-07-10. Review status: criteria provided, single submitter. Criteria: ACMG Guidelines, 2015. Collection method: clinical testing. Allele origin: germline. Affected: no.

Genome-Nilou Lab
Classification: Benign for Krabbe disease due to saposin A deficiency. Last evaluated: 2021-07-10. Review status: criteria provided, single submitter. Criteria: ACMG Guidelines, 2015. Collection method: clinical testing. Allele origin: germline. Affected: no.

Genome-Nilou Lab
Classification: Benign for Sphingolipid activator protein 1 deficiency. Last evaluated: 2021-07-10. Review status: criteria provided, single submitter. Criteria: ACMG Guidelines, 2015. Collection method: clinical testing. Allele origin: germline. Affected: no.

Illumina Laboratory Services, Illumina
Classification: Benign for Gaucher disease due to saposin C deficiency. Last evaluated: 2018-01-13. Review status: criteria provided, single submitter. Criteria: ICSL Variant Classification Criteria 13 December 2019. Collection method: clinical testing. Allele origin: germline.
Comment: This variant was observed in the ICSL laboratory as part of a predisposition screen in an ostensibly healthy population. It had not been previously curated by ICSL or reported in the Human Gene Mutation Database (HGMD: prior to June 1st, 2018), and was therefore a candidate for classification through an automated scoring system. Utilizing variant allele frequency, disease prevalence and penetrance estimates, and inheritance mode, an automated score was calculated to assess if this variant is too frequent to cause the disease. Based on the score and internal cut-off values, a variant classified as benign is not then subjected to further curation. The score for this variant resulted in a classification of benign for this disease.

Illumina Laboratory Services, Illumina
Classification: Benign for Sphingolipid activator protein 1 deficiency. Last evaluated: 2018-01-13. Review status: criteria provided, single submitter. Criteria: ICSL Variant Classification Criteria 13 December 2019. Collection method: clinical testing. Allele origin: germline.
Comment: the same text as in the submission from Illumina Laboratory Services, Illumina above.

Illumina Laboratory Services, Illumina
Classification: Benign for Krabbe disease due to saposin A deficiency. Last evaluated: 2018-01-13. Review status: criteria provided, single submitter. Criteria: ICSL Variant Classification Criteria 13 December 2019. Collection method: clinical testing. Allele origin: germline.
Comment: the same text as in the submission from Illumina Laboratory Services, Illumina above.

GeneDx
Classification: Benign. Last evaluated: 2015-03-03. Review status: criteria provided, single submitter. Criteria: GeneDx Variant Classification Process June 2021. Collection method: clinical testing. Allele origin: germline. Affected: yes.

Eurofins Ntd Llc (ga)
Classification: Benign. Last evaluated: 2013-08-26. Review status: criteria provided, single submitter. Criteria: EGL Classification Definitions 2015. Collection method: clinical testing. Allele origin: germline. Observed: 1 variant allele, 1 heterozygote.

Breakthrough Genomics
Classification: Likely benign. Review status: criteria provided, single submitter. Criteria: ACMG Guidelines, 2015. Collection method: not provided. Allele origin: germline. Inheritance: Autosomal recessive inheritance. Affected: yes.

PreventionGenetics, part of Exact Sciences
Classification: Benign. Review status: criteria provided, single submitter. Criteria: ACMG Guidelines, 2015. Collection method: clinical testing. Allele origin: germline.

Mayo Clinic Laboratories, Mayo Clinic
Classification: Benign. Last evaluated: 2015-10-22. Review status: no assertion criteria provided. Collection method: clinical testing. Allele origin: unknown. Not counted in ClinVar's aggregate classification.

NM_002778.4(PSAP):c.1351-14A>G

Gene: PSAP (prosaposin; minus strand). Cytogenetic location: 10q22.1.
Variant type: single nucleotide variant.
Coding change: c.1351-14A>G on transcript NM_002778.4 (MANE Select); 14 bases into the intron before coding-DNA position 1351, A replaced by G.
Molecular consequence: intron variant.
Genome position (GRCh38, 1-based): chr10:71,819,125, T>C on the plus strand (A>G on the coding strand, the complement: PSAP is on the minus strand). VCF-style: chr10-71819125-T-C. GRCh37 (hg19) VCF-style: chr10-73578882-T-C.
Other names: c.1357-14A>G (NM_001042466.3); c.1360-14A>G (NM_001042465.3).
Identifiers: ClinVar variation 94085 (VCV000094085.25), dbSNP rs4747203, ClinGen allele CA147600.